The following is an entry in ClinVar:

ClinVar aggregate classification (germline): Uncertain significance (1 of 4 stars; one submission).

Conditions:
Hereditary cancer-predisposing syndrome. Also called: Tumor predisposition; Neoplastic Syndromes, Hereditary; Hereditary neoplastic syndrome; Hereditary Cancer Syndrome. Identifiers: Orphanet 140162, MedGen C0027672, MeSH D009386, MONDO:0015356.

Submission:

Ambry Genetics
Classification: Uncertain significance for Hereditary cancer-predisposing syndrome. Last evaluated: 2025-08-27. Review status: criteria provided, single submitter. Criteria: Ambry Variant Classification Scheme 2023. Collection method: clinical testing. Allele origin: germline.
Comment: The p.N43T variant (also known as c.128A>C), located in coding exon 2 of the MUTYH gene, results from an A to C substitution at nucleotide position 128. The asparagine at codon 43 is replaced by threonine, an amino acid with similar properties. This amino acid position is conserved. In addition, this alteration is predicted to be tolerated by in silico analysis. Based on the available evidence, the clinical significance of this variant remains unclear.

NM_001048174.2(MUTYH):c.86A>C (p.Asn29Thr)

Gene: MUTYH (mutY DNA glycosylase; minus strand). Cytogenetic location: 1p34.1.
Variant type: single nucleotide variant.
Coding change: c.86A>C on transcript NM_001048174.2 (MANE Select); coding-DNA position 86, A replaced by C.
Protein change: p.Asn29Thr; replaces asparagine 29 with threonine.
Molecular consequence: missense variant. On other transcripts: 5 prime UTR variant (7), non-coding transcript variant (7).
Genome position (GRCh38, 1-based): chr1:45,334,420, T>G on the plus strand (A>C on the coding strand, the complement: MUTYH is on the minus strand). VCF-style: chr1-45334420-T-G. GRCh37 (hg19) VCF-style: chr1-45800092-T-G.
Other names: c.86A>C, p.Asn29Thr (NM_001048171.2, NM_001048172.2, NM_001048173.2 and 15 more transcripts); c.128A>C, p.Asn43Thr (NM_001128425.2, NM_001293190.2, NM_001407069.1 and 2 more transcripts); c.-127A>C (NM_001293192.2, NM_001293196.2, NM_001407091.1); c.-186A>C (NM_001350650.2); c.-122A>C (NM_001350651.2, NM_001407082.1); c.-71A>C (NM_001407075.1); c.104A>C, p.Asn35Thr (NM_001407087.1); short protein forms N43T, N29T, N35T.
Identifiers: ClinVar variation 4113151 (VCV004113151.1).